The following is an entry in ClinVar:

ClinVar aggregate classification (germline): Uncertain significance. Review status: criteria provided, multiple submitters, no conflicts (2 of 4 stars). 2 submissions from 2 submitters: Uncertain significance (2). Last evaluated 2025-11-04.

Conditions:
Autosomal recessive limb-girdle muscular dystrophy type 2W (MDRCMTT). Also called: Muscular dystrophy, autosomal recessive, with cardiomyopathy and triangular tongue; Muscular dystrophy, limb-girdle, type 2W. Identifiers: MedGen C4225192, MONDO:0014788, OMIM 616827.

Allele frequency attached by ClinVar (database versions not stated): gnomAD exomes 0.00001.
gnomAD v4.1: 8 of 1,613,766 alleles (0.0005%); highest among the groups gnomAD compares: Admixed American, 0.0017%; no homozygotes.

Submissions (2):

Labcorp Genetics (formerly Invitae), Labcorp
Classification: Uncertain significance for Autosomal recessive limb-girdle muscular dystrophy type 2W. Last evaluated: 2025-11-04. Review status: criteria provided, single submitter. Criteria: Invitae Variant Classification Sherloc (09022015). Collection method: clinical testing. Allele origin: germline.
Comment: This sequence change replaces glutamic acid, which is acidic and polar, with lysine, which is basic and polar, at codon 268 of the LIMS2 protein (p.Glu268Lys). This variant is present in population databases (no rsID available, gnomAD 0.003%). This variant has not been reported in the literature in individuals affected with LIMS2-related conditions. ClinVar contains an entry for this variant (Variation ID: 2162871). Invitae Evidence Modeling of protein sequence and biophysical properties (such as structural, functional, and spatial information, amino acid conservation, physicochemical variation, residue mobility, and thermodynamic stability) indicates that this missense variant is not expected to disrupt LIMS2 protein function with a negative predictive value of 80%. In summary, the available evidence is currently insufficient to determine the role of this variant in disease. Therefore, it has been classified as a Variant of Uncertain Significance.

Ambry Genetics
Classification: Uncertain significance. Last evaluated: 2023-10-17. Review status: criteria provided, single submitter. Criteria: Ambry Variant Classification Scheme 2023. Collection method: clinical testing. Allele origin: germline.

NM_001161403.3(LIMS2):c.736G>A (p.Glu246Lys)

Gene: LIMS2 (LIM zinc finger domain containing 2; minus strand). Cytogenetic location: 2q14.3.
Variant type: single nucleotide variant.
Coding change: c.736G>A on transcript NM_001161403.3 (MANE Select); coding-DNA position 736, G replaced by A.
Protein change: p.Glu246Lys; replaces glutamic acid 246 with lysine.
Molecular consequence: missense variant.
Genome position (GRCh38, 1-based): chr2:127,640,913, C>T on the plus strand (G>A on the coding strand, the complement: LIMS2 is on the minus strand). VCF-style: chr2-127640913-C-T. GRCh37 (hg19) VCF-style: chr2-128398488-C-T.
Other names: c.802G>A, p.Glu268Lys (NM_001136037.4); c.721G>A, p.Glu241Lys (NM_001161404.2); c.280G>A, p.Glu94Lys (NM_001161405.1, NM_001256542.2); c.808G>A, p.Glu270Lys (NM_017980.5); c.808G>A (NM_017980.4); short protein forms E241K, E270K, E246K, E268K, E94K.
Identifiers: ClinVar variation 2162871 (VCV002162871.5), dbSNP rs1312559544, ClinGen allele CA348424419.